The following is an entry in ClinVar:

NM_001195518.2(MICU1):c.145G>C (p.Gly49Arg)

Gene: MICU1 (mitochondrial calcium uptake 1; minus strand). Cytogenetic location: 10q22.1.
Variant type: single nucleotide variant.
Coding change: c.145G>C on transcript NM_001195518.2 (MANE Select); coding-DNA position 145, G replaced by C.
Protein change: p.Gly49Arg; replaces glycine 49 with arginine.
Molecular consequence: missense variant.
Genome position (GRCh38, 1-based): chr10:72,566,649, C>G on the plus strand (G>C on the coding strand, the complement: MICU1 is on the minus strand). VCF-style: chr10-72566649-C-G. GRCh37 (hg19) VCF-style: chr10-74326407-C-G.
Other names: c.145G>C, p.Gly49Arg (NM_001363513.2, NM_006077.4); short protein forms G49R.
Identifiers: ClinVar variation 1383307 (VCV001383307.6), dbSNP rs2132475624, ClinGen allele CA377395630.

ClinVar aggregate classification (germline): Uncertain significance (1 of 4 stars; one submission).

Submission:

Labcorp Genetics (formerly Invitae), Labcorp
Classification: Uncertain significance. Last evaluated: 2022-06-13. Review status: criteria provided, single submitter. Criteria: Invitae Variant Classification Sherloc (09022015). Collection method: clinical testing. Allele origin: germline.
Comment: In summary, the available evidence is currently insufficient to determine the role of this variant in disease. Therefore, it has been classified as a Variant of Uncertain Significance. Algorithms developed to predict the effect of missense changes on protein structure and function are either unavailable or do not agree on the potential impact of this missense change (SIFT: "Tolerated"; PolyPhen-2: "Not Available"; Align-GVGD: "Class C0"). This variant has not been reported in the literature in individuals affected with MICU1-related conditions. This variant is not present in population databases (gnomAD no frequency). This sequence change replaces glycine, which is neutral and non-polar, with arginine, which is basic and polar, at codon 49 of the MICU1 protein (p.Gly49Arg).